The following is an entry in ClinVar:

ClinVar aggregate classification (germline): Likely benign. Review status: criteria provided, single submitter (1 of 4 stars). 2 submissions from 2 submitters: Likely benign (1). 1 of the submissions does not count toward it. Last evaluated 2018-11-30.

Conditions:
PKD1-related disorder. Also called: PKD1-related condition.

Allele frequency attached by ClinVar (database versions not stated): gnomAD 0.00001; gnomAD exomes 0.00002; TOPMed 0.00002; ExAC 0.00011.
gnomAD v4.1: 28 of 1,557,540 alleles (0.0018%); highest among the groups gnomAD compares: East Asian, 0.03%; no homozygotes.

Submissions (2):

Blueprint Genetics
Classification: Likely benign. Last evaluated: 2018-11-30. Review status: criteria provided, single submitter. Criteria: ACMG Guidelines, 2015. Collection method: clinical testing. Allele origin: germline.

PreventionGenetics, part of Exact Sciences
Classification: Likely benign for PKD1-related condition. Last evaluated: 2019-11-22. Review status: no assertion criteria provided. Collection method: clinical testing. Allele origin: germline. Not counted in ClinVar's aggregate classification.
Comment: This variant is classified as likely benign based on ACMG/AMP sequence variant interpretation guidelines (Richards et al. 2015 PMID: 25741868, with internal and published modifications).

NM_001009944.3(PKD1):c.11541C>T (p.Ser3847=)

Genes: PKD1 (polycystin 1, transient receptor potential channel interacting; minus strand), PKD1-AS1 (PKD1 antisense RNA 1; plus strand). Cytogenetic location: 16p13.3.
Variant type: single nucleotide variant.
Coding change: c.11541C>T on transcript NM_001009944.3 (MANE Select); coding-DNA position 11541, C replaced by T.
Protein change: p.Ser3847=; no amino-acid change (serine 3847 retained).
Molecular consequence: synonymous variant. On other transcripts: non-coding transcript variant (1).
Genome position (GRCh38, 1-based): chr16:2,091,594, G>A on the plus strand (C>T on the coding strand, the complement: PKD1 is on the minus strand). VCF-style: chr16-2091594-G-A. GRCh37 (hg19) VCF-style: chr16-2141595-G-A.
Other names: c.11538C>T, p.Ser3846= (NM_000296.4).
Identifiers: ClinVar variation 3042176 (VCV003042176.3), dbSNP rs775782348, ClinGen allele CA7829041.
Genomic context (GRCh38, chr16:2,091,594, plus strand): 5'-GACGGCGGCGTGCAGCCCCACGGCCGGGCTGTAGCGCGTGAGCTCCAGGAACACAGCGCG[G>A]CTCCTGCGCAGAGGGTGCGGGTCAGTAGGAGCGGGTGGCAGGGCGGGAGCTGCGGGGACC-3'
Protein context (NP_001009944.3, residues 3837-3857): LQLHNWLDNR[Ser3847=]RAVFLELTRY